The following is an entry in ClinVar:

NC_000010.11:g.(?_43100449)_(43102639_?)del

Gene: RET (ret proto-oncogene; plus strand). Cytogenetic location: 10q11.21.
Variant type: Deletion.
Identifiers: ClinVar variation 653522 (VCV000653522.1).

ClinVar aggregate classification (germline): Likely pathogenic (1 of 4 stars; one submission).

Conditions:
Multiple endocrine neoplasia, type 2 (MEN2). Identifiers: Orphanet 653, MedGen C4048306, MONDO:0019003. Disease mechanism: gain of function.

Submission:

Labcorp Genetics (formerly Invitae), Labcorp
Classification: Likely pathogenic for Multiple endocrine neoplasia, type 2. Last evaluated: 2018-09-26. Review status: criteria provided, single submitter. Criteria: Invitae Variant Classification Sherloc (09022015). Collection method: clinical testing. Allele origin: germline.
Comment: This variant is an in-frame deletion of the genomic region encompassing exons 2-3 of the RET gene. It preserves the integrity of the reading frame. This variant has been observed to segregate with Hirschsprung's disease in a family (Invitae). In summary, the currently available evidence indicates that the variant is pathogenic, but additional data are needed to prove that conclusively. Therefore, this variant has been classified as Likely Pathogenic.